The following is an entry in ClinVar:

NM_015559.3(SETBP1):c.2566G>T (p.Val856Leu)

Gene: SETBP1 (SET binding protein 1; plus strand). Cytogenetic location: 18q12.3.
Variant type: single nucleotide variant.
Coding change: c.2566G>T on transcript NM_015559.3 (MANE Select); coding-DNA position 2566, G replaced by T.
Protein change: p.Val856Leu; replaces valine 856 with leucine.
Molecular consequence: missense variant.
Genome position (GRCh38, 1-based): chr18:44,951,906, G>T. VCF-style: chr18-44951906-G-T. GRCh37 (hg19) VCF-style: chr18-42531871-G-T.
Other names: c.2566G>T, p.Val856Leu (NM_001379141.1, NM_001379142.1); short protein forms V856L.
Identifiers: ClinVar variation 1370196 (VCV001370196.6), dbSNP rs140028039, ClinGen allele CA8945761.

ClinVar aggregate classification (germline): Uncertain significance (1 of 4 stars; one submission).

Allele frequency attached by ClinVar (database versions not stated): gnomAD exomes below 0.00001 and 0.00001; TOPMed below 0.00001; ExAC 0.00001; ESP Exome Variant Server 0.00008.

Submission:

Labcorp Genetics (formerly Invitae), Labcorp
Classification: Uncertain significance. Last evaluated: 2021-11-02. Review status: criteria provided, single submitter. Criteria: Invitae Variant Classification Sherloc (09022015). Collection method: clinical testing. Allele origin: germline.
Comment: In summary, the available evidence is currently insufficient to determine the role of this variant in disease. Therefore, it has been classified as a Variant of Uncertain Significance. Algorithms developed to predict the effect of missense changes on protein structure and function are either unavailable or do not agree on the potential impact of this missense change (SIFT: "Deleterious"; PolyPhen-2: "Probably Damaging"; Align-GVGD: "Class C0"). This missense change has been observed in individual(s) with clinical features of SETBP1-related conditions (Invitae). This variant is not present in population databases (gnomAD no frequency). This sequence change replaces valine, which is neutral and non-polar, with leucine, which is neutral and non-polar, at codon 856 of the SETBP1 protein (p.Val856Leu).